The following is an entry in ClinVar:

ClinVar aggregate classification (germline): Uncertain significance (1 of 4 stars; one submission).

Conditions:
Harel-Yoon syndrome (HAYOS). Also called: Optic atrophy-peripheral neuropathy-developmental delay syndrome. Identifiers: Orphanet 496790, MedGen C4310677, MONDO:0014958, OMIM 617183.

Submission:

Victorian Clinical Genetics Services, Murdoch Childrens Research Institute
Classification: Uncertain significance for Harel-Yoon syndrome. Last evaluated: 2019-08-28. Review status: criteria provided, single submitter. Criteria: ACMG Guidelines, 2015. Collection method: clinical testing. Allele origin: germline. Affected: yes.
Comment: A heterozygous missense variant, NM_001170535.2(ATAD3A):c.1322G>A, has been identified in exon 13 of 16 of the ATAD3A gene. The variant is predicted to result in a moderate amino acid change from glycine to aspartic acid at position 441 of the protein (NP_001164006.1(ATAD3A):p.(Gly441Asp)). The glycine at this position has very high conservation (100 vertebrates, UCSC), and is located within the ATPases associated with diverse cellular activities functional domain. In silico predictions for this variant are consistently pathogenic (Polyphen, SIFT, CADD, Mutation Taster). The variant is absent in population databases (gnomAD, dbSNP, 1000G). This variant has not been previously reported in clinical cases. Based on the information available at the time of curation, this variant has been classified as VARIANT of UNCERTAIN SIGNIFICANCE (VUS).

NM_001170535.3(ATAD3A):c.1322G>A (p.Gly441Asp)

Gene: ATAD3A (ATPase family AAA domain containing 3A; plus strand). Cytogenetic location: 1p36.33.
Variant type: single nucleotide variant.
Coding change: c.1322G>A on transcript NM_001170535.3 (MANE Select); coding-DNA position 1322, G replaced by A.
Protein change: p.Gly441Asp; replaces glycine 441 with aspartic acid.
Molecular consequence: missense variant.
Genome position (GRCh38, 1-based): chr1:1,526,516, G>A. VCF-style: chr1-1526516-G-A. GRCh37 (hg19) VCF-style: chr1-1461896-G-A.
Other names: c.1085G>A, p.Gly362Asp (NM_001170536.3); c.1466G>A, p.Gly489Asp (NM_018188.5); short protein forms G362D, G441D, G489D.
Identifiers: ClinVar variation 3377440 (VCV003377440.1).
Genomic context (GRCh38, chr1:1,526,516, plus strand): 5'-TGCAGGAGAAGATAAGCGAGGACCTCAGGGCCACACTGAACGCCTTCCTGTACCGCACGG[G>A]CCAGCACAGCAACAAGTGAGGGAGCCCCTCGGGTCCTGGGCCCCCGGGCAGGGCTGTGCA-3'
Protein context (NP_001164006.1, residues 431-451): ATLNAFLYRT[Gly441Asp]QHSNKFMLVL